The following is an entry in ClinVar:

NM_152618.3(BBS12):c.1323G>A (p.Val441=)

Gene: BBS12 (Bardet-Biedl syndrome 12; plus strand). Cytogenetic location: 4q27.
Variant type: single nucleotide variant.
Coding change: c.1323G>A on transcript NM_152618.3 (MANE Select); coding-DNA position 1323, G replaced by A.
Protein change: p.Val441=; no amino-acid change (valine 441 retained).
Molecular consequence: synonymous variant.
Genome position (GRCh38, 1-based): chr4:122,743,215, G>A. VCF-style: chr4-122743215-G-A. GRCh37 (hg19) VCF-style: chr4-123664370-G-A.
Other names: c.1323G>A, p.Val441= (NM_001178007.2).
Identifiers: ClinVar variation 751941 (VCV000751941.10), dbSNP rs766332688, ClinGen allele CA3069423.

ClinVar aggregate classification (germline): Likely benign. Review status: criteria provided, multiple submitters, no conflicts (2 of 4 stars). 4 submissions from 4 submitters: Likely benign (2). 2 of the submissions do not count toward it. Last evaluated 2025-06-01.

Conditions:
BBS12-related disorder. Also called: BBS12-related condition.
Bardet-Biedl syndrome 12 (BBS12). Identifiers: Orphanet 110, MedGen C1859570, MONDO:0014440, OMIM 615989.
Bardet-Biedl syndrome (BBS). Identifiers: Orphanet 110, MedGen C0752166, MONDO:0015229.

Allele frequency attached by ClinVar (database versions not stated): gnomAD exomes 0.00001; ExAC 0.00002; gnomAD 0.00005 and 0.00006; TOPMed 0.00005.

Submissions (4):

Labcorp Genetics (formerly Invitae), Labcorp
Classification: Likely benign for Bardet-Biedl syndrome. Last evaluated: 2025-06-01. Review status: criteria provided, single submitter. Criteria: Invitae Variant Classification Sherloc (09022015). Collection method: clinical testing. Allele origin: germline.

Fulgent Genetics
Classification: Likely benign for Bardet-Biedl syndrome 12. Last evaluated: 2022-02-25. Review status: criteria provided, single submitter. Criteria: ACMG Guidelines, 2015. Collection method: clinical testing. Allele origin: unknown.

Natera, Inc.
Classification: Likely benign for Bardet-Biedl syndrome type 12. Last evaluated: 2020-12-28. Review status: no assertion criteria provided. Collection method: clinical testing. Allele origin: germline. Not counted in ClinVar's aggregate classification.

PreventionGenetics, part of Exact Sciences
Classification: Likely benign for BBS12-related condition. Last evaluated: 2019-08-06. Review status: no assertion criteria provided. Collection method: clinical testing. Allele origin: germline. Not counted in ClinVar's aggregate classification.
Comment: This variant is classified as likely benign based on ACMG/AMP sequence variant interpretation guidelines (Richards et al. 2015 PMID: 25741868, with internal and published modifications).